The following is an entry in ClinVar:

NM_001370259.2(MEN1):c.1363dup (p.Val455fs)

Gene: MEN1 (menin 1; minus strand). Cytogenetic location: 11q13.1.
Variant type: Duplication.
Coding change: c.1363dup on transcript NM_001370259.2 (MANE Select); coding-DNA position 1363, one base duplicated (G; older notation c.1363dupG).
Protein change: p.Val455fs; shifts the reading frame from valine 455.
Molecular consequence: frameshift variant. On other transcripts: non-coding transcript variant (4).
Genome position (GRCh38, 1-based): chr11:64,804,804, C duplicated on the plus strand (G on the coding strand, the reverse complement: MEN1 is on the minus strand); the first of 2 consecutive C bases (chr11:64,804,804-64,804,805); duplicating either gives the same sequence. VCF-style (leftmost placement, unchanged base first): chr11-64804803-A-AC. GRCh37 (hg19) VCF-style: chr11-64572275-A-AC.
Other names: c.1384dup, p.Val462fs (NM_001407151.1); c.1198dup, p.Val400fs (NM_001407152.1); c.1363dup, p.Val455fs (NM_130799.3, NM_001370260.2, NM_001370261.2 and 2 more transcripts); c.1378dup, p.Val460fs (NM_130800.3, NM_130801.3, NM_130802.3 and 4 more transcripts); c.1489dup, p.Val497fs (NM_001370251.2, NM_001407142.1, NM_001407143.1 and 1 more transcripts); c.1258dup, p.Val420fs (NM_001370262.2, NM_001370263.2, NM_001407148.1 and 1 more transcripts); c.1504dup, p.Val502fs (NM_001407150.1); short protein forms V400fs, V455fs, V497fs, V420fs, V462fs, V460fs, V502fs.
Identifiers: ClinVar variation 2763384 (VCV002763384.3), dbSNP rs2497132180, ClinGen allele CA2697548653.

ClinVar aggregate classification (germline): Pathogenic (1 of 4 stars; one submission).

Conditions:
Multiple endocrine neoplasia, type 1 (MEN1). Also called: MEA I; MEN I; WERMER SYNDROME; Endocrine adenomatosis multiple; MEN 1. Identifiers: Orphanet 652, MedGen C0025267, MeSH D018761, MONDO:0007540, OMIM 131100.

Submission:

Labcorp Genetics (formerly Invitae), Labcorp
Classification: Pathogenic for Multiple endocrine neoplasia, type 1. Last evaluated: 2023-09-26. Review status: criteria provided, single submitter. Criteria: Invitae Variant Classification Sherloc (09022015). Collection method: clinical testing. Allele origin: germline.
Comment: For these reasons, this variant has been classified as Pathogenic. This variant disrupts a region of the MEN1 protein in which other variant(s) (p.Gln586*) have been determined to be pathogenic (Invitae). This suggests that this is a clinically significant region of the protein, and that variants that disrupt it are likely to be disease-causing. This variant has not been reported in the literature in individuals affected with MEN1-related conditions. This variant is not present in population databases (gnomAD no frequency). This sequence change creates a premature translational stop signal (p.Val455Glyfs*76) in the MEN1 gene. While this is not anticipated to result in nonsense mediated decay, it is expected to disrupt the last 156 amino acid(s) of the MEN1 protein.